The following is an entry in ClinVar:

ClinVar aggregate classification (germline): Likely benign. Review status: criteria provided, single submitter (1 of 4 stars). 2 submissions from 2 submitters: Likely benign (1). 1 of the submissions does not count toward it. Last evaluated 2025-07-01.

Conditions:
Larsen-like syndrome, B3GAT3 type. Also called: MULTIPLE JOINT DISLOCATIONS, SHORT STATURE, AND CRANIOFACIAL DYSMORPHISM WITH OR WITHOUT CONGENITAL HEART DEFECTS; Multiple joint dislocations, short stature, craniofacial dysmorphism, with or without congenital heart defects. Identifiers: Orphanet 284139, MedGen CN034159, MONDO:0009511, OMIM 245600.
B3GAT3-related disorder. Also called: B3GAT3-related condition.

Allele frequency attached by ClinVar (database versions not stated): gnomAD exomes below 0.00001; TOPMed below 0.00001.
gnomAD v4.1: 3 of 1,612,254 alleles (0.00019%); highest among the groups gnomAD compares: Non-Finnish European, 0.00025%; no homozygotes.

Submissions (2):

Labcorp Genetics (formerly Invitae), Labcorp
Classification: Likely benign for Larsen-like syndrome, B3GAT3 type. Last evaluated: 2025-07-01. Review status: criteria provided, single submitter. Criteria: Invitae Variant Classification Sherloc (09022015). Collection method: clinical testing. Allele origin: germline.

PreventionGenetics, part of Exact Sciences
Classification: Likely benign for B3GAT3-related condition. Last evaluated: 2022-07-07. Review status: no assertion criteria provided. Collection method: clinical testing. Allele origin: germline. Not counted in ClinVar's aggregate classification.
Comment: This variant is classified as likely benign based on ACMG/AMP sequence variant interpretation guidelines (Richards et al. 2015 PMID: 25741868, with internal and published modifications).

NM_012200.4(B3GAT3):c.177A>C (p.Arg59=)

Gene: B3GAT3 (beta-1,3-glucuronyltransferase 3; minus strand). Cytogenetic location: 11q12.3.
Variant type: single nucleotide variant.
Coding change: c.177A>C on transcript NM_012200.4 (MANE Select); coding-DNA position 177, A replaced by C.
Protein change: p.Arg59=; no amino-acid change (arginine 59 retained).
Molecular consequence: synonymous variant. On other transcripts: non-coding transcript variant (1).
Genome position (GRCh38, 1-based): chr11:62,620,577, T>G on the plus strand (A>C on the coding strand, the complement: B3GAT3 is on the minus strand). VCF-style: chr11-62620577-T-G. GRCh37 (hg19) VCF-style: chr11-62388049-T-G.
Other names: c.156A>C, p.Arg52= (NM_001288721.2); c.177A>C, p.Arg59= (NM_001288722.2, NM_001288723.2).
Identifiers: ClinVar variation 3029799 (VCV003029799.3), dbSNP rs1266582198, ClinGen allele CA474866168.
Genomic context (GRCh38, chr11:62,620,577, plus strand): 5'-AACATAGATAGTAGGCAGGGCCTCGGGTTCAGGGGGCTGGGCAGGGGCAGGGGGTGGCCG[T>G]CGGAGTTCCGCTTGCAGCTGGGAAATCCTCAGATCCTTCTGCCGTAGCTGCTCGGCTGCT-3'
Protein context (NP_036332.2, residues 49-69): LRISQLQAEL[Arg59=]RPPPAPAQPP